The following is an entry in ClinVar:

ClinVar aggregate classification (germline): Pathogenic. Review status: criteria provided, multiple submitters, no conflicts (2 of 4 stars). 5 submissions from 5 submitters: Pathogenic (5). Last evaluated 2026-03-23.

Conditions:
Mitochondrial DNA depletion syndrome 3 (hepatocerebral type). Also called: MITOCHONDRIAL DNA DEPLETION SYNDROME 3; Deoxyguanosine Kinase Deficiency; Mitochondrial DNA depletion syndrome, hepatocerebral form due to DGUOK deficiency. Identifiers: Orphanet 279934, MedGen CN074093, MONDO:0009636, OMIM 251880.
Portal hypertension, noncirrhotic, 1 (NCPH1). Identifiers: MedGen CN305369, MONDO:8000013, OMIM 617068.
Progressive external ophthalmoplegia with mitochondrial DNA deletions, autosomal recessive 4. Also called: PROGRESSIVE EXTERNAL OPHTHALMOPLEGIA, AUTOSOMAL RECESSIVE 4; Adult-onset multiple mitochondrial DNA deletion syndrome due to DGUOK deficiency. Identifiers: Orphanet 329314, MedGen C4310733, MONDO:0014899, OMIM 617070.
DGUOK-related disorder. Also called: DGUOK-related condition.

Allele frequency attached by ClinVar (database versions not stated): gnomAD 0.00001; gnomAD exomes 0.00001; ExAC 0.00002; TOPMed 0.00002; ESP Exome Variant Server 0.00015.
gnomAD v4.1: 18 of 1,613,972 alleles (0.0011%); highest among the groups gnomAD compares: Non-Finnish European, 0.0014%; no homozygotes.

Submissions (5):

PreventionGenetics, part of Exact Sciences
Classification: Pathogenic for DGUOK-related condition. Last evaluated: 2026-03-23. Review status: criteria provided, single submitter. Criteria: ACMG Guidelines, 2015. Collection method: clinical testing. Allele origin: germline.
Comment: The DGUOK c.195G>A variant is predicted to result in premature protein termination (p.Trp65*). This variant has been reported in the compound heterozygous state in two siblings with mitochondrial DNA depletion syndrome (Dimmock et al. 2008. PubMed ID: 18205204) and has also been reported along with a second causative variant in this gene in an individual with myopathy (Komal et al. 2018; PubMed ID: 30283818; Suppl. Table 1, Manzoni et al. 2024. PubMed ID: 38756539). This variant is reported in 0.0062% of alleles in individuals of African descent in gnomAD. Nonsense variants in DGUOK are expected to be pathogenic. This variant is interpreted as pathogenic.

Labcorp Genetics (formerly Invitae), Labcorp
Classification: Pathogenic. Last evaluated: 2024-02-29. Review status: criteria provided, single submitter. Criteria: Invitae Variant Classification Sherloc (09022015). Collection method: clinical testing. Allele origin: germline.
Comment: This sequence change creates a premature translational stop signal (p.Trp65*) in the DGUOK gene. It is expected to result in an absent or disrupted protein product. Loss-of-function variants in DGUOK are known to be pathogenic (PMID: 18205204). This variant is present in population databases (rs140307681, gnomAD 0.007%). This premature translational stop signal has been observed in individual(s) with mitochondrial DNA depletion syndrome (PMID: 18205204). ClinVar contains an entry for this variant (Variation ID: 449312). For these reasons, this variant has been classified as Pathogenic.

Fulgent Genetics
Classification: Pathogenic for Mitochondrial DNA depletion syndrome 3 (hepatocerebral type); Portal hypertension, noncirrhotic, 1; Progressive external ophthalmoplegia with mitochondrial DNA deletions, autosomal recessive 4. Last evaluated: 2024-02-18. Review status: criteria provided, single submitter. Criteria: ACMG Guidelines, 2015. Collection method: clinical testing. Allele origin: germline.

GeneDx
Classification: Pathogenic. Last evaluated: 2021-01-18. Review status: criteria provided, single submitter. Criteria: GeneDx Variant Classification Process June 2021. Collection method: clinical testing. Allele origin: germline. Affected: yes.
Comment: Nonsense variant predicted to result in protein truncation or nonsense mediated decay in a gene for which loss-of-function is a known mechanism of disease; Not observed at a significant frequency in large population cohorts (Lek et al., 2016); This variant is associated with the following publications: (PMID: 28794150, 18205204, 19748572, 30283818)

Eurofins Ntd Llc (ga)
Classification: Pathogenic. Last evaluated: 2018-04-12. Review status: criteria provided, single submitter. Criteria: EGL ClinVar v180209 classification definitions. Collection method: clinical testing. Allele origin: germline. Observed: 1 variant allele, 1 heterozygote.

Literature cited by the submitters: PubMed 18205204 (cited by Labcorp Genetics (formerly Invitae), Labcorp).

NM_080916.3(DGUOK):c.195G>A (p.Trp65Ter)

Gene: DGUOK (deoxyguanosine kinase; plus strand). Cytogenetic location: 2p13.1.
Variant type: single nucleotide variant.
Coding change: c.195G>A on transcript NM_080916.3 (MANE Select); coding-DNA position 195, G replaced by A.
Protein change: p.Trp65Ter; replaces tryptophan 65 with a stop codon.
Molecular consequence: nonsense. On other transcripts: intron variant (4).
Genome position (GRCh38, 1-based): chr2:73,938,962, G>A. VCF-style: chr2-73938962-G-A. GRCh37 (hg19) VCF-style: chr2-74166089-G-A.
Other names: c.195G>A, p.Trp65Ter (NM_001318859.2, NM_080918.3); c.-37+6279G>A (NM_001318861.2, NM_001318862.2); c.-36-7757G>A (NM_001318860.2, NM_001318863.2); c.195G>A (NM_080916.2); short protein forms W65*.
Identifiers: ClinVar variation 449312 (VCV000449312.12), dbSNP rs140307681, ClinGen allele CA1718193.
Genomic context (GRCh38, chr2:73,938,962, plus strand): 5'-CATTGCAGCTGTGGGAAAGTCCACGTTTGTGAAGTTACTCACGAAAACTTACCCAGAATG[G>A]CACGTAGCTACAGAACCTGTAGCAACATGGCAGAATATCCAGGCTGCTGGCACCCAAAAA-3'